The following is an entry in ClinVar:

NC_000019.10:g.49861932_49861933insTCCCCGCTCCTAGCGTGTCCTGGGGACACGAGAGGTCACAAACAGATCGGCAGACCCAGGGGGAGAGAAG

Gene: PNKP (polynucleotide kinase 3'-phosphatase; minus strand). Cytogenetic location: 19q13.33.
Variant type: Insertion.
Genome position: GRCh38: chr19:49,861,932-49,861,933. GRCh37 (hg19): chr19:50,365,189-50,365,190.
Identifiers: ClinVar variation 3664102 (VCV003664102.2).

ClinVar aggregate classification (germline): Pathogenic (1 of 4 stars; one submission).

Conditions:
Developmental and epileptic encephalopathy, 12 (DEE12). Identifiers: MedGen C3150988, MONDO:0013389, OMIM 613722.

Submission:

Labcorp Genetics (formerly Invitae), Labcorp
Classification: Pathogenic for Developmental and epileptic encephalopathy, 12. Last evaluated: 2024-10-12. Review status: criteria provided, single submitter. Criteria: Invitae Variant Classification Sherloc (09022015). Collection method: clinical testing. Allele origin: germline.
Comment: This sequence change creates a premature translational stop signal (p.Ser401Alafs*14) in the PNKP gene. It is expected to result in an absent or disrupted protein product. Loss-of-function variants in PNKP are known to be pathogenic (PMID: 20118933, 25728773). This variant is not present in population databases (gnomAD no frequency). This variant has not been reported in the literature in individuals affected with PNKP-related conditions. For these reasons, this variant has been classified as Pathogenic.

Literature cited by the submitters: PubMed 20118933; PubMed 25728773.